The following is an entry in ClinVar:

NM_173543.3(DZIP1L):c.1063-5G>T

Gene: DZIP1L (DAZ interacting zinc finger protein 1 like; minus strand). Cytogenetic location: 3q22.3.
Variant type: single nucleotide variant.
Coding change: c.1063-5G>T on transcript NM_173543.3 (MANE Select); 5 bases into the intron before coding-DNA position 1063, G replaced by T.
Molecular consequence: intron variant.
Genome position (GRCh38, 1-based): chr3:138,084,258, C>A on the plus strand (G>T on the coding strand, the complement: DZIP1L is on the minus strand). VCF-style: chr3-138084258-C-A. GRCh37 (hg19) VCF-style: chr3-137803100-C-A.
Other names: c.1063-5G>T (NM_001170538.1).
Identifiers: ClinVar variation 3053305 (VCV003053305.2), dbSNP rs2472706907, ClinGen allele CA2577913965.

ClinVar aggregate classification (germline): Likely benign (0 of 4 stars; one submission).

Conditions:
DZIP1L-related disorder. Also called: DZIP1L-related condition.

Allele frequency attached by ClinVar (database versions not stated): gnomAD exomes below 0.00001.
gnomAD v4.1: 1 of 1,612,882 alleles (0.000062%); highest among the groups gnomAD compares: Non-Finnish European, 0.000085%; no homozygotes.

Submission:

PreventionGenetics, part of Exact Sciences
Classification: Likely benign for DZIP1L-related condition. Last evaluated: 2019-09-04. Review status: no assertion criteria provided. Collection method: clinical testing. Allele origin: germline.
Comment: This variant is classified as likely benign based on ACMG/AMP sequence variant interpretation guidelines (Richards et al. 2015 PMID: 25741868, with internal and published modifications).